The following is an entry in ClinVar:

NM_004960.4(FUS):c.1539C>T (p.Ser513=)

Gene: FUS (FUS RNA binding protein; plus strand). Cytogenetic location: 16p11.2.
Variant type: single nucleotide variant.
Coding change: c.1539C>T on transcript NM_004960.4 (MANE Select); coding-DNA position 1539, C replaced by T.
Protein change: p.Ser513=; no amino-acid change (serine 513 retained).
Molecular consequence: synonymous variant. On other transcripts: non-coding transcript variant (1).
Genome position (GRCh38, 1-based): chr16:31,191,108, C>T. VCF-style: chr16-31191108-C-T. GRCh37 (hg19) VCF-style: chr16-31202429-C-T.
Other names: c.1536C>T, p.Ser512= (NM_001170634.1); c.1527C>T, p.Ser509= (NM_001170937.1).
Identifiers: ClinVar variation 3063762 (VCV003063762.1), dbSNP rs1291529679, ClinGen allele CA494715216.

ClinVar aggregate classification (germline): Uncertain significance (1 of 4 stars; one submission).

Allele frequency attached by ClinVar (database versions not stated): gnomAD exomes 0.00001.
gnomAD v4.1: 14 of 1,612,512 alleles (0.00087%); highest among the groups gnomAD compares: Non-Finnish European, 0.0012%; no homozygotes.

Submission:

Women's Health and Genetics/Laboratory Corporation of America, LabCorp
Classification: Uncertain significance. Last evaluated: 2024-01-04. Review status: criteria provided, single submitter. Criteria: LabCorp Variant Classification Summary - May 2015. Collection method: clinical testing. Allele origin: germline.
Comment: Variant summary: FUS c.1539C>T (p.Ser513Ser) alters a non-conserved nucleotide located close to a canonical splice site and therefore could affect mRNA splicing, leading to a significantly altered protein sequence. Consensus agreement among computation tools predict no significant impact on normal splicing. However, these predictions have yet to be confirmed by functional studies. The variant allele was found at a frequency of 4e-06 in 247034 control chromosomes (gnomAD). The available data on variant occurrences in the general population are insufficient to allow any conclusion about variant significance. To our knowledge, no occurrence of c.1539C>T in individuals affected with FUS-Related Disorders and no experimental evidence demonstrating its impact on protein function have been reported. No submitters have cited clinical-significance assessments for this variant to ClinVar. Based on the evidence outlined above, the variant was classified as uncertain significance.